The following is an entry in ClinVar:

NM_001372.4(DNAH9):c.9628G>T (p.Ala3210Ser)

Gene: DNAH9 (dynein axonemal heavy chain 9; plus strand). Cytogenetic location: 17p12.
Variant type: single nucleotide variant.
Coding change: c.9628G>T on transcript NM_001372.4 (MANE Select); coding-DNA position 9628, G replaced by T.
Protein change: p.Ala3210Ser; replaces alanine 3210 with serine.
Molecular consequence: missense variant.
Genome position (GRCh38, 1-based): chr17:11,854,123, G>T. VCF-style: chr17-11854123-G-T. GRCh37 (hg19) VCF-style: chr17-11757440-G-T.
Other names: p.Ala3210Ser; c.9628G>T (NM_001372.3); short protein forms A3210S.
Identifiers: ClinVar variation 1612124 (VCV001612124.12), dbSNP rs116202848, ClinGen allele CA8397273.

ClinVar aggregate classification (germline): Benign. Review status: criteria provided, multiple submitters, no conflicts (2 of 4 stars). 4 submissions from 4 submitters: Benign (3). 1 of the submissions does not count toward it. Last evaluated 2026-02-01.

Conditions:
DNAH9-related disorder. Also called: DNAH9-related condition.

Allele frequency attached by ClinVar (database versions not stated): 1000 Genomes Project 0.00679; 1000 Genomes Project 30x 0.00750; ESP Exome Variant Server 0.01076; TOPMed 0.00946.
gnomAD v4.1: 2,372 of 1,614,150 alleles (0.15%); highest among the groups gnomAD compares: African/African-American, 2.8%; 29 homozygotes.

Submissions (4):

Labcorp Genetics (formerly Invitae), Labcorp
Classification: Benign. Last evaluated: 2026-02-01. Review status: criteria provided, single submitter. Criteria: Invitae Variant Classification Sherloc (09022015). Collection method: clinical testing. Allele origin: germline.

Mayo Clinic Laboratories, Mayo Clinic
Classification: Benign. Last evaluated: 2024-10-16. Review status: criteria provided, single submitter. Criteria: ACMG Guidelines, 2015. Collection method: clinical testing. Allele origin: germline. Observed: 2 variant alleles.
Comment: BS1, BS2

Breakthrough Genomics
Classification: Benign. Review status: criteria provided, single submitter. Criteria: ACMG Guidelines, 2015. Collection method: not provided. Allele origin: germline. Inheritance: Autosomal recessive inheritance. Affected: yes.

PreventionGenetics, part of Exact Sciences
Classification: Benign for DNAH9-related condition. Last evaluated: 2019-06-03. Review status: no assertion criteria provided. Collection method: clinical testing. Allele origin: germline. Not counted in ClinVar's aggregate classification.
Comment: This variant is classified as benign based on ACMG/AMP sequence variant interpretation guidelines (Richards et al. 2015 PMID: 25741868, with internal and published modifications).